The following is an entry in ClinVar:

ClinVar aggregate classification (germline): Uncertain significance (1 of 4 stars; one submission).

Allele frequency attached by ClinVar (database versions not stated): gnomAD exomes below 0.00001.
gnomAD v4.1: 2 of 1,610,452 alleles (0.00012%); highest among the groups gnomAD compares: Non-Finnish European, 0.00017%; no homozygotes.

Submission:

Labcorp Genetics (formerly Invitae), Labcorp
Classification: Uncertain significance. Last evaluated: 2022-11-01. Review status: criteria provided, single submitter. Criteria: Invitae Variant Classification Sherloc (09022015). Collection method: clinical testing. Allele origin: germline.
Comment: This variant has not been reported in the literature in individuals affected with DVL1-related conditions. In summary, the available evidence is currently insufficient to determine the role of this variant in disease. Therefore, it has been classified as a Variant of Uncertain Significance. Algorithms developed to predict the effect of sequence changes on RNA splicing suggest that this variant may disrupt the consensus splice site. Advanced modeling of protein sequence and biophysical properties (such as structural, functional, and spatial information, amino acid conservation, physicochemical variation, residue mobility, and thermodynamic stability) performed at Invitae indicates that this missense variant is not expected to disrupt DVL1 protein function. This variant is not present in population databases (gnomAD no frequency). This sequence change replaces serine, which is neutral and polar, with asparagine, which is neutral and polar, at codon 332 of the DVL1 protein (p.Ser332Asn).

NM_001330311.2(DVL1):c.995G>A (p.Ser332Asn)

Gene: DVL1 (dishevelled segment polarity protein 1; minus strand). Cytogenetic location: 1p36.33.
Variant type: single nucleotide variant.
Coding change: c.995G>A on transcript NM_001330311.2 (MANE Select); coding-DNA position 995, G replaced by A.
Protein change: p.Ser332Asn; replaces serine 332 with asparagine.
Molecular consequence: missense variant.
Genome position (GRCh38, 1-based): chr1:1,339,641, C>T on the plus strand (G>A on the coding strand, the complement: DVL1 is on the minus strand). VCF-style: chr1-1339641-C-T. GRCh37 (hg19) VCF-style: chr1-1275021-C-T.
Other names: c.995G>A, p.Ser332Asn (NM_004421.3); short protein forms S332N.
Identifiers: ClinVar variation 1996915 (VCV001996915.4), dbSNP rs150339541, ClinGen allele CA337868335.
Genomic context (GRCh38, chr1:1,339,641, plus strand): 5'-CCCCGTGGGACGGTGAAGTAGCTTCGGGGCGTTGGGTCCCAGCACTTGGCCACAGTGAGG[C>T]TGATGGGCCTGCAGGAACGGTGGTCACACAGCAAGGCCCCCATGGTCCCACCTCCCTGCC-3'
Protein context (NP_001317240.1, residues 322-342): REIVSQTGPI[Ser332Asn]LTVAKCWDPT